The following is an entry in ClinVar:

ClinVar aggregate classification (germline): Conflicting classifications of pathogenicity. Review status: criteria provided, conflicting classifications (1 of 4 stars). 2 submissions from 2 submitters: Uncertain significance (1); Likely benign (1). Last evaluated 2026-07-01.

Submissions (2):

CeGaT Center for Human Genetics Tuebingen
Classification: Likely benign. Last evaluated: 2026-07-01. Review status: criteria provided, single submitter. Criteria: CeGaT Center For Human Genetics Tuebingen Variant Classification Criteria Version 2. Collection method: clinical testing. Allele origin: germline. Affected: yes. Observed: 1 variant allele.
Comment: MOCS2: BP4

Labcorp Genetics (formerly Invitae), Labcorp
Classification: Uncertain significance. Last evaluated: 2024-10-28. Review status: criteria provided, single submitter. Criteria: Invitae Variant Classification Sherloc (09022015). Collection method: clinical testing. Allele origin: germline.
Comment: This sequence change replaces arginine, which is basic and polar, with leucine, which is neutral and non-polar, at codon 22 of the MOCS2A protein (p.Arg22Leu). This variant is present in population databases (rs577168655, gnomAD 0.003%). This variant has not been reported in the literature in individuals affected with MOCS2A-related conditions. ClinVar contains an entry for this variant (Variation ID: 1506330). An algorithm developed to predict the effect of missense changes on protein structure and function (PolyPhen-2) suggests that this variant is likely to be tolerated. In summary, the available evidence is currently insufficient to determine the role of this variant in disease. Therefore, it has been classified as a Variant of Uncertain Significance.

NM_176806.4(MOCS2):c.65G>T (p.Arg22Leu)

Gene: MOCS2 (molybdenum cofactor synthesis 2; minus strand). Cytogenetic location: 5q11.2.
Variant type: single nucleotide variant.
Coding change: c.65G>T on transcript NM_176806.4 (MANE Plus Clinical); coding-DNA position 65, G replaced by T.
Protein change: p.Arg22Leu; replaces arginine 22 with leucine.
Molecular consequence: missense variant. On other transcripts: 5 prime UTR variant (1).
Genome position (GRCh38, 1-based): chr5:53,108,597, C>A on the plus strand (G>T on the coding strand, the complement: MOCS2 is on the minus strand). VCF-style: chr5-53108597-C-A. GRCh37 (hg19) VCF-style: chr5-52404427-C-A.
Other names: c.-123G>T (NM_004531.5); short protein forms R22L.
Identifiers: ClinVar variation 1506330 (VCV001506330.8), dbSNP rs577168655, ClinGen allele CA3263806.